The following is an entry in ClinVar:

NM_002335.4(LRP5):c.4119dup (p.Lys1374fs)

Gene: LRP5 (LDL receptor related protein 5; plus strand). Cytogenetic location: 11q13.2.
Variant type: Duplication.
Coding change: c.4119dup on transcript NM_002335.4 (MANE Select); coding-DNA position 4119, one base duplicated (C; older notation c.4119dupC).
Protein change: p.Lys1374fs; shifts the reading frame from lysine 1374.
Molecular consequence: frameshift variant.
Genome position (GRCh38, 1-based): chr11:68,438,453, C duplicated; the last of 2 consecutive C bases (chr11:68,438,452-68,438,453); duplicating either gives the same sequence. VCF-style (leftmost placement, unchanged base first): chr11-68438451-A-AC. GRCh37 (hg19) VCF-style: chr11-68205919-A-AC.
Other names: c.2376dup, p.Lys793fs (NM_001291902.2); short protein forms K793fs, K1374fs.
Identifiers: ClinVar variation 6288 (VCV000006288.3), dbSNP rs80358321, ClinGen allele CA118102.
Genomic context (GRCh38, chr11:68,438,451, plus strand): 5'-GGGCCCATTCCGTTGGGGTTAATGTTGGCCACCTCTTTCTGTTTGTCTCTGGCAGAAATC[A>AC]CCAAGCCGCCCTCAGACGACAGCCCGGCCCACAGCAGTGCCATCGGGCCCGTCATTGGCA-3'

ClinVar aggregate classification (germline): Pathogenic. Review status: criteria provided, single submitter (1 of 4 stars). 2 submissions from 2 submitters: Pathogenic (1). 1 of the submissions does not count toward it. Last evaluated 2024-02-16.

Conditions:
Exudative vitreoretinopathy 4, autosomal dominant. Identifiers: MedGen C4016838.

Submissions (2):

Labcorp Genetics (formerly Invitae), Labcorp
Classification: Pathogenic. Last evaluated: 2024-02-16. Review status: criteria provided, single submitter. Criteria: Invitae Variant Classification Sherloc (09022015). Collection method: clinical testing. Allele origin: germline.
Comment: This sequence change creates a premature translational stop signal (p.Lys1374Glnfs*176) in the LRP5 gene. While this is not anticipated to result in nonsense mediated decay, it is expected to disrupt the last 242 amino acid(s) of the LRP5 protein. This variant is not present in population databases (gnomAD no frequency). This premature translational stop signal has been observed in individual(s) with autosomal dominant familial exudative vitreoretinopathy, bone fractures, and/or osteoporosis (PMID: 15024691). It has also been observed to segregate with disease in related individuals. This variant is also known as c.4119- 4120insC (K1374fsX1549). ClinVar contains an entry for this variant (Variation ID: 6288). For these reasons, this variant has been classified as Pathogenic.

OMIM
Classification: Pathogenic for EXUDATIVE VITREORETINOPATHY 4, AUTOSOMAL DOMINANT. Last evaluated: 2004-04-01. Review status: no assertion criteria provided. Collection method: literature only. Allele origin: germline. Not counted in ClinVar's aggregate classification.

Literature cited by the submitters: PubMed 15024691 (cited by Labcorp Genetics (formerly Invitae), Labcorp and OMIM).